The following is an entry in ClinVar:

NM_000535.7(PMS2):c.674A>G (p.Glu225Gly)

Gene: PMS2 (PMS1 homolog 2, mismatch repair system component; minus strand). Cytogenetic location: 7p22.1.
Variant type: single nucleotide variant.
Coding change: c.674A>G on transcript NM_000535.7 (MANE Select); coding-DNA position 674, A replaced by G.
Protein change: p.Glu225Gly; replaces glutamic acid 225 with glycine.
Molecular consequence: missense variant. On other transcripts: 5 prime UTR variant (2), non-coding transcript variant (1), intron variant (1).
Genome position (GRCh38, 1-based): chr7:5,999,139, T>C on the plus strand (A>G on the coding strand, the complement: PMS2 is on the minus strand). VCF-style: chr7-5999139-T-C. GRCh37 (hg19) VCF-style: chr7-6038770-T-C.
Other names: c.356A>G, p.Glu119Gly (NM_001322008.2, NM_001322007.2); c.269A>G, p.Glu90Gly (NM_001322009.2, NM_001322010.2, NM_001322003.2 and 2 more transcripts); c.-260A>G (NM_001322011.2, NM_001322012.2); c.674A>G, p.Glu225Gly (NM_001322014.2, NM_001322006.2); c.365A>G, p.Glu122Gly (NM_001322015.2); c.133-1716A>G (NM_001322013.2); short protein forms E90G, E122G, E119G, E225G.
Identifiers: ClinVar variation 1490054 (VCV001490054.10), dbSNP rs2128799688, ClinGen allele CA366743871.
Genomic context (GRCh38, chr7:5,999,139, plus strand): 5'-GAGGCGTTGAAGTAACCGGCCATCACTACCTGCTTCTGCCCAAACACAGAGCCGATATTT[T>C]CCTTTATGCTGGGGCTTCCACCTGTGCATACCACAGGCTGTCGTTTTCCTTGTCCAAGCT-3'
Protein context (NP_000526.2, residues 215-235): VCTGGSPSIK[Glu225Gly]NIGSVFGQKQ

ClinVar aggregate classification (germline): Uncertain significance. Review status: criteria provided, multiple submitters, no conflicts (2 of 4 stars). 2 submissions from 2 submitters: Uncertain significance (2). Last evaluated 2022-07-12.

Conditions:
Hereditary nonpolyposis colorectal neoplasms. Identifiers: MedGen C0009405, MeSH D003123.
Hereditary cancer-predisposing syndrome. Also called: Tumor predisposition; Hereditary neoplastic syndrome; Neoplastic Syndromes, Hereditary; Hereditary Cancer Syndrome. Identifiers: Orphanet 140162, MedGen C0027672, MeSH D009386, MONDO:0015356.

Submissions (2):

Labcorp Genetics (formerly Invitae), Labcorp
Classification: Uncertain significance for Hereditary nonpolyposis colorectal neoplasms. Last evaluated: 2022-07-12. Review status: criteria provided, single submitter. Criteria: Invitae Variant Classification Sherloc (09022015). Collection method: clinical testing. Allele origin: germline.
Comment: In summary, the available evidence is currently insufficient to determine the role of this variant in disease. Therefore, it has been classified as a Variant of Uncertain Significance. Advanced modeling of protein sequence and biophysical properties (such as structural, functional, and spatial information, amino acid conservation, physicochemical variation, residue mobility, and thermodynamic stability) performed at Invitae indicates that this missense variant is not expected to disrupt PMS2 protein function. ClinVar contains an entry for this variant (Variation ID: 1490054). This variant has not been reported in the literature in individuals affected with PMS2-related conditions. This variant is not present in population databases (gnomAD no frequency). This sequence change replaces glutamic acid, which is acidic and polar, with glycine, which is neutral and non-polar, at codon 225 of the PMS2 protein (p.Glu225Gly).

Ambry Genetics
Classification: Uncertain significance for Hereditary cancer-predisposing syndrome. Last evaluated: 2019-04-11. Review status: criteria provided, single submitter. Criteria: Ambry Variant Classification Scheme 2023. Collection method: clinical testing. Allele origin: germline.
Comment: The p.E225G variant (also known as c.674A>G), located in coding exon 6 of the PMS2 gene, results from an A to G substitution at nucleotide position 674. The glutamic acid at codon 225 is replaced by glycine, an amino acid with similar properties. This amino acid position is not well conserved in available vertebrate species. In addition, the in silico prediction for this alteration is inconclusive. Since supporting evidence is limited at this time, the clinical significance of this alteration remains unclear.